The following is an entry in ClinVar:

NM_024675.4(PALB2):c.71_73delinsGG (p.Leu24fs)

Gene: PALB2 (partner and localizer of BRCA2; minus strand). Cytogenetic location: 16p12.2.
Variant type: Indel.
Coding change: c.71_73delinsGG on transcript NM_024675.4 (MANE Select); coding-DNA positions 71 to 73, TGA replaced by GG.
Protein change: p.Leu24fs; shifts the reading frame from leucine 24.
Molecular consequence: frameshift variant.
Genome position (GRCh38, 1-based): chr16:23,638,105-23,638,107, TCA replaced by CC on the plus strand (TGA replaced by GG on the coding strand, the reverse complement: PALB2 is on the minus strand). VCF-style: chr16-23638105-TCA-CC. GRCh37 (hg19) VCF-style: chr16-23649426-TCA-CC.
Other names: c.71_73delTGAinsGG (NM_024675.3); short protein forms L24fs.
Identifiers: ClinVar variation 923995 (VCV000923995.5), dbSNP rs1967112121, ClinGen allele CA913188746.

ClinVar aggregate classification (germline): Pathogenic/Likely pathogenic. Review status: criteria provided, multiple submitters, no conflicts (2 of 4 stars). 3 submissions from 3 submitters: Pathogenic (2); Likely pathogenic (1). Last evaluated 2024-03-12.

Conditions:
Hereditary cancer-predisposing syndrome. Also called: Hereditary Cancer Syndrome; Hereditary neoplastic syndrome; Neoplastic Syndromes, Hereditary; Tumor predisposition. Identifiers: Orphanet 140162, MedGen C0027672, MeSH D009386, MONDO:0015356.
Breast-ovarian cancer, familial, susceptibility to, 5 (BROVCA5). Identifiers: MedGen C5830615, MONDO:0957530, OMIM 620442.
Pancreatic cancer, susceptibility to, 3. Identifiers: Orphanet 1333, MedGen C3150547, MONDO:0013236, OMIM 613348.
Fanconi anemia complementation group N. Also called: PALB2-Related Fanconi Anemia. Identifiers: Orphanet 84, MedGen C1835817, MONDO:0012565, OMIM 610832. Disease mechanism: loss of function.

Submissions (3):

Fulgent Genetics
Classification: Likely pathogenic for Fanconi anemia complementation group N; Pancreatic cancer, susceptibility to, 3; Breast-ovarian cancer, familial, susceptibility to, 5. Last evaluated: 2024-03-12. Review status: criteria provided, single submitter. Criteria: ACMG Guidelines, 2015. Collection method: clinical testing. Allele origin: germline.

Ambry Genetics
Classification: Pathogenic for Hereditary cancer-predisposing syndrome. Last evaluated: 2023-10-01. Review status: criteria provided, single submitter. Criteria: Ambry Variant Classification Scheme 2023. Collection method: clinical testing. Allele origin: germline.
Comment: The c.71_73delTGAinsGG pathogenic mutation, located in coding exon 2 of the PALB2 gene, results from the deletion of 3 nucleotides and insertion of two nucleotides causing a translational frameshift with a predicted alternate stop codon (p.L24Wfs*9). This variant is considered to be rare based on population cohorts in the Genome Aggregation Database (gnomAD). This alteration is expected to result in loss of function by premature protein truncation or nonsense-mediated mRNA decay. As such, this alteration is interpreted as a disease-causing mutation.

Color Diagnostics, LLC DBA Color Health
Classification: Pathogenic for Hereditary cancer-predisposing syndrome. Last evaluated: 2020-01-15. Review status: criteria provided, single submitter. Criteria: ACMG Guidelines, 2015. Collection method: clinical testing. Allele origin: germline.
Comment: This variant is located in the PALB2 protein. Splice site prediction tools suggest that this variant may not impact RNA splicing. This variant has not been identified in the general population by the Genome Aggregation Database (gnomAD). Loss of PALB2 function is a known mechanism of disease. Based on the available evidence, this variant is classified as Pathogenic.